The following is an entry in ClinVar:

ClinVar aggregate classification (germline): Benign/Likely benign. Review status: criteria provided, multiple submitters, no conflicts (2 of 4 stars). 8 submissions from 8 submitters: Benign (2); Likely benign (5). 1 of the submissions does not count toward it. Last evaluated 2026-06-08.

Conditions:
Cardiomyopathy (CMYO). Also called: Cardiomyopathies. Identifiers: Orphanet 167848, MedGen C0878544, MONDO:0004994, HP:0001638. Inheritance: Various modes of inheritance.
Hypertrophic cardiomyopathy. Also called: HYPERTROPHIC MYOCARDIOPATHY. Identifiers: Orphanet 217569, MedGen C0007194, MeSH D002312, MONDO:0005045, HP:0001639.
Cardiovascular phenotype. Identifiers: MedGen CN230736.
MYOZ2-related disorder. Also called: MYOZ2-related condition.

Allele frequency attached by ClinVar (database versions not stated): ExAC 0.00007; gnomAD exomes 0.00010 and 0.00040; 1000 Genomes Project 30x 0.00016; 1000 Genomes Project 0.00020; TOPMed 0.00092; gnomAD 0.00100 and 0.00105.
gnomAD v4.1: 298 of 1,612,558 alleles (0.018%); highest among the groups gnomAD compares: Admixed American, 0.44%; 1 homozygote.

Submissions (8):

Women's Health and Genetics/Laboratory Corporation of America, LabCorp
Classification: Benign. Last evaluated: 2026-06-08. Review status: criteria provided, single submitter. Criteria: LabCorp Variant Classification Summary - May 2015. Collection method: clinical testing. Allele origin: germline.

Labcorp Genetics (formerly Invitae), Labcorp
Classification: Benign for Hypertrophic cardiomyopathy. Last evaluated: 2026-01-04. Review status: criteria provided, single submitter. Criteria: Invitae Variant Classification Sherloc (09022015). Collection method: clinical testing. Allele origin: germline.

CeGaT Center for Human Genetics Tuebingen
Classification: Likely benign. Last evaluated: 2024-11-01. Review status: criteria provided, single submitter. Criteria: CeGaT Center For Human Genetics Tuebingen Variant Classification Criteria Version 2. Collection method: clinical testing. Allele origin: germline. Affected: yes. Observed: 1 variant allele.
Comment: MYOZ2: BP4, BP7

GeneDx
Classification: Likely benign. Last evaluated: 2021-10-28. Review status: criteria provided, single submitter. Criteria: GeneDx Variant Classification Process June 2021. Collection method: clinical testing. Allele origin: germline. Affected: yes.

Ambry Genetics
Classification: Likely benign for Cardiovascular phenotype. Last evaluated: 2017-05-30. Review status: criteria provided, single submitter. Criteria: Ambry Variant Classification Scheme 2023. Collection method: clinical testing. Allele origin: germline.

CHEO Genetics Diagnostic Laboratory, Children's Hospital of Eastern Ontario
Classification: Likely benign for Cardiomyopathy. Last evaluated: 2016-08-25. Review status: criteria provided, single submitter. Criteria: ACMG Guidelines, 2015. Collection method: clinical testing. Allele origin: germline. Study: Canadian Open Genetics Repository.

Breakthrough Genomics
Classification: Likely benign. Review status: criteria provided, single submitter. Criteria: ACMG Guidelines, 2015. Collection method: not provided. Allele origin: germline. Inheritance: Autosomal dominant inheritance. Affected: yes.

PreventionGenetics, part of Exact Sciences
Classification: Likely benign for MYOZ2-related condition. Last evaluated: 2019-10-28. Review status: no assertion criteria provided. Collection method: clinical testing. Allele origin: germline. Not counted in ClinVar's aggregate classification.
Comment: This variant is classified as likely benign based on ACMG/AMP sequence variant interpretation guidelines (Richards et al. 2015 PMID: 25741868, with internal and published modifications).

NM_016599.5(MYOZ2):c.228A>G (p.Gln76=)

Gene: MYOZ2 (myozenin 2; plus strand). Cytogenetic location: 4q26.
Variant type: single nucleotide variant.
Coding change: c.228A>G on transcript NM_016599.5 (MANE Select); coding-DNA position 228, A replaced by G.
Protein change: p.Gln76=; no amino-acid change (glutamine 76 retained).
Molecular consequence: synonymous variant.
Genome position (GRCh38, 1-based): chr4:119,151,023, A>G. VCF-style: chr4-119151023-A-G. GRCh37 (hg19) VCF-style: chr4-120072178-A-G.
Identifiers: ClinVar variation 383430 (VCV000383430.34), dbSNP rs192725921, ClinGen allele CA3058565.